The following is an entry in ClinVar:

NM_004208.4(AIFM1):c.1227T>G (p.Thr409=)

Genes: AIFM1 (apoptosis inducing factor mitochondria associated 1; minus strand), RAB33A (RAB33A, member RAS oncogene family; plus strand). Cytogenetic location: Xq26.1.
Variant type: single nucleotide variant.
Coding change: c.1227T>G on transcript NM_004208.4 (MANE Select); coding-DNA position 1227, T replaced by G.
Protein change: p.Thr409=; no amino-acid change (threonine 409 retained).
Molecular consequence: synonymous variant. On other transcripts: 3 prime UTR variant (1), non-coding transcript variant (1).
Genome position (GRCh38, 1-based): chrX:130,136,123, A>C on the plus strand (T>G on the coding strand, the complement: AIFM1 is on the minus strand). VCF-style: chrX-130136123-A-C. GRCh37 (hg19) VCF-style: chrX-129270098-A-C.
Other names: p.Thr409=; c.210T>G, p.Thr70= (NM_001130846.4); c.*455T>G (NM_001130847.4); c.1215T>G, p.Thr405= (NM_145812.3).
Identifiers: ClinVar variation 543932 (VCV000543932.23), dbSNP rs61730898, ClinGen allele CA10515313.

ClinVar aggregate classification (germline): Benign/Likely benign. Review status: criteria provided, multiple submitters, no conflicts (2 of 4 stars). 7 submissions from 7 submitters: Benign (4); Likely benign (3). Last evaluated 2026-01-27.

Conditions:
Severe X-linked mitochondrial encephalomyopathy. Also called: ENCEPHALOMYOPATHY, MITOCHONDRIAL, X-LINKED. Identifiers: Orphanet 238329, MedGen C3151753, MONDO:0010437, OMIM 300816.
Deafness, X-linked 5 (DFNX5). Also called: AUDITORY NEUROPATHY, X-LINKED, 1, WITH PERIPHERAL SENSORY NEUROPATHY; DEAFNESS, X-LINKED 5, WITH PERIPHERAL NEUROPATHY. Identifiers: Orphanet 139583, MedGen C1845095, OMIM 300614.
Charcot-Marie-Tooth disease X-linked recessive 4 (CMTX4). Also called: Cowchock syndrome; CHARCOT-MARIE-TOOTH DISEASE, X-LINKED RECESSIVE, 4, WITH OR WITHOUT CEREBELLAR ATAXIA; CHARCOT-MARIE-TOOTH DISEASE WITH DEAFNESS AND MENTAL RETARDATION. Identifiers: Orphanet 101078, MedGen C0795910, MONDO:0010689, OMIM 310490.
Spondyloepimetaphyseal dysplasia, Bieganski type. Also called: SEMD X-linked with mental deterioration; Leukoencephalopathy with metaphyseal chondrodysplasia; Spondyloepimetaphyseal dysplasia, X-linked, with hypomyelinating leukodystrophy. Identifiers: Orphanet 168448, Orphanet 83629, MedGen C1846148, MONDO:0010275, OMIM 300232.
Charcot-Marie-Tooth Neuropathy X. Identifiers: MedGen CN118851.
Combined oxidative phosphorylation deficiency. Identifiers: MedGen C4540031, MONDO:0000732.
Inborn genetic diseases. Identifiers: MedGen C0950123, MeSH D030342.

Allele frequency attached by ClinVar (database versions not stated): gnomAD exomes 0.00060 and 0.00017; ExAC 0.00083; gnomAD 0.00176 and 0.00188; 1000 Genomes Project 0.00185; TOPMed 0.00207; 1000 Genomes Project 30x 0.00229; ESP Exome Variant Server 0.00322.
gnomAD v4.1: 386 of 1,210,236 alleles (0.032%); highest among the groups gnomAD compares: African/African-American, 0.62%; 2 homozygotes.

Submissions (7):

Labcorp Genetics (formerly Invitae), Labcorp
Classification: Benign for Charcot-Marie-Tooth Neuropathy X; Combined oxidative phosphorylation deficiency. Last evaluated: 2026-01-27. Review status: criteria provided, single submitter. Criteria: Invitae Variant Classification Sherloc (09022015). Collection method: clinical testing. Allele origin: germline.

Blueprint Genetics
Classification: Likely benign. Last evaluated: 2024-07-17. Review status: criteria provided, single submitter. Criteria: ACMG Guidelines, 2015. Collection method: clinical testing. Allele origin: germline.

Fulgent Genetics
Classification: Likely benign for Spondyloepimetaphyseal dysplasia, Bieganski type; Deafness, X-linked 5; Severe X-linked mitochondrial encephalomyopathy; Charcot-Marie-Tooth disease X-linked recessive 4. Last evaluated: 2021-08-30. Review status: criteria provided, single submitter. Criteria: ACMG Guidelines, 2015. Collection method: clinical testing. Allele origin: unknown.

Mayo Clinic Laboratories, Mayo Clinic
Classification: Benign. Last evaluated: 2019-09-12. Review status: criteria provided, single submitter. Criteria: ACMG Guidelines, 2015. Collection method: clinical testing. Allele origin: germline. Observed: 4 variant alleles.

Ambry Genetics
Classification: Likely benign for Inborn genetic diseases. Last evaluated: 2019-07-11. Review status: criteria provided, single submitter. Criteria: Ambry Variant Classification Scheme 2023. Collection method: clinical testing. Allele origin: germline.

GeneDx
Classification: Benign. Last evaluated: 2018-12-12. Review status: criteria provided, single submitter. Criteria: GeneDx Variant Classification Process June 2021. Collection method: clinical testing. Allele origin: germline. Affected: yes.

Illumina Laboratory Services, Illumina
Classification: Benign for Severe X-linked mitochondrial encephalomyopathy. Last evaluated: 2018-01-13. Review status: criteria provided, single submitter. Criteria: ICSL Variant Classification Criteria 13 December 2019. Collection method: clinical testing. Allele origin: germline.
Comment: This variant was observed in the ICSL laboratory as part of a predisposition screen in an ostensibly healthy population. It had not been previously curated by ICSL or reported in the Human Gene Mutation Database (HGMD: prior to June 1st, 2018), and was therefore a candidate for classification through an automated scoring system. Utilizing variant allele frequency, disease prevalence and penetrance estimates, and inheritance mode, an automated score was calculated to assess if this variant is too frequent to cause the disease. Based on the score and internal cut-off values, a variant classified as benign is not then subjected to further curation. The score for this variant resulted in a classification of benign for this disease.